The following is an entry in ClinVar:

ClinVar aggregate classification (germline): Uncertain significance (1 of 4 stars; one submission).

Submission:

GeneDx
Classification: Uncertain significance. Last evaluated: 2024-01-16. Review status: criteria provided, single submitter. Criteria: GeneDx Variant Classification Process June 2021. Collection method: clinical testing. Allele origin: germline. Affected: yes.
Comment: Not observed at significant frequency in large population cohorts (gnomAD); In silico analysis supports that this missense variant does not alter protein structure/function; Has not been previously published as pathogenic or benign to our knowledge

NM_001197104.2(KMT2A):c.8860G>A (p.Val2954Ile)

Gene: KMT2A (lysine methyltransferase 2A; plus strand). Cytogenetic location: 11q23.3.
Variant type: single nucleotide variant.
Coding change: c.8860G>A on transcript NM_001197104.2 (MANE Select); coding-DNA position 8860, G replaced by A.
Protein change: p.Val2954Ile; replaces valine 2954 with isoleucine.
Molecular consequence: missense variant.
Genome position (GRCh38, 1-based): chr11:118,504,752, G>A. VCF-style: chr11-118504752-G-A. GRCh37 (hg19) VCF-style: chr11-118375467-G-A.
Other names: c.8950G>A, p.Val2984Ile (NM_001412597.1); c.8851G>A, p.Val2951Ile (NM_005933.4); short protein forms V2951I, V2954I, V2984I.
Identifiers: ClinVar variation 3368028 (VCV003368028.1).